The following is an entry in ClinVar:

NM_138615.3(DHX30):c.366+3G>C

Gene: DHX30 (DExH-box helicase 30; plus strand). Cytogenetic location: 3p21.31.
Variant type: single nucleotide variant.
Coding change: c.366+3G>C on transcript NM_138615.3 (MANE Select); 3 bases into the intron after coding-DNA position 366, G replaced by C.
Molecular consequence: intron variant.
Genome position (GRCh38, 1-based): chr3:47,829,137, G>C. VCF-style: chr3-47829137-G-C. GRCh37 (hg19) VCF-style: chr3-47870627-G-C.
Other names: c.282+3G>C (NM_001330990.2); c.249+3G>C (NM_014966.4).
Identifiers: ClinVar variation 3681308 (VCV003681308.2).

ClinVar aggregate classification (germline): Uncertain significance (1 of 4 stars; one submission).

Submission:

Labcorp Genetics (formerly Invitae), Labcorp
Classification: Uncertain significance. Last evaluated: 2024-01-02. Review status: criteria provided, single submitter. Criteria: Invitae Variant Classification Sherloc (09022015). Collection method: clinical testing. Allele origin: germline.
Comment: This sequence change falls in intron 6 of the DHX30 gene. It does not directly change the encoded amino acid sequence of the DHX30 protein. It affects a nucleotide within the consensus splice site. This variant is not present in population databases (gnomAD no frequency). This variant has not been reported in the literature in individuals affected with DHX30-related conditions. Variants that disrupt the consensus splice site are a relatively common cause of aberrant splicing (PMID: 17576681, 9536098). Algorithms developed to predict the effect of sequence changes on RNA splicing suggest that this variant may disrupt the consensus splice site. In summary, the available evidence is currently insufficient to determine the role of this variant in disease. Therefore, it has been classified as a Variant of Uncertain Significance.

Literature cited by the submitters: PubMed 17576681; PubMed 9536098.